The following is an entry in ClinVar:

ClinVar aggregate classification (germline): Uncertain significance. Review status: criteria provided, multiple submitters, no conflicts (2 of 4 stars). 2 submissions from 2 submitters: Uncertain significance (2). Last evaluated 2026-07-07.

Conditions:
Hypercholesterolemia, autosomal dominant, 3 (FHCL3). Also called: Familial hypercholesterolemia 3; Familial Hypercholesterolemia, Autosomal Dominant, 3; PCSK9-Related Familial Hypercholesterolemia, Autosomal Dominant. Identifiers: MedGen C1863551, MONDO:0011369, OMIM 603776.
Cardiovascular phenotype. Identifiers: MedGen CN230736.

Submissions (2):

Ambry Genetics
Classification: Uncertain significance for Cardiovascular phenotype. Last evaluated: 2026-07-07. Review status: criteria provided, single submitter. Criteria: Ambry Variant Classification Scheme 2023. Collection method: clinical testing. Allele origin: germline.
Comment: The p.G370D variant (also known as c.1109G>A), located in coding exon 7 of the PCSK9 gene, results from a G to A substitution at nucleotide position 1109. The glycine at codon 370 is replaced by aspartic acid, an amino acid with similar properties. This amino acid position is conserved. In addition, this alteration is predicted to be deleterious by in silico analysis. Based on the available evidence, the clinical significance of this variant remains unclear.

All of Us Research Program, National Institutes of Health
Classification: Uncertain significance for Hypercholesterolemia, autosomal dominant, 3. Last evaluated: 2024-04-25. Review status: criteria provided, single submitter. Criteria: ACMG Guidelines, 2015. Collection method: clinical testing. Allele origin: germline. Inheritance: Autosomal dominant inheritance. Observed: 1 variant allele, 1 heterozygote.
Comment: This missense variant replaces glycine with aspartic acid at codon 370 of the PCSK9 protein. Computational prediction is inconclusive regarding the impact of this variant on protein structure and function (internally defined REVEL score threshold 0.5 < inconclusive < 0.7, PMID: 27666373). To our knowledge, functional studies have not been reported for this variant. This variant has not been reported in individuals affected with PCSK9-related disorders in the literature. This variant has not been identified in the general population by the Genome Aggregation Database (gnomAD). The available evidence is insufficient to determine the role of this variant in disease conclusively. Therefore, this variant is classified as a Variant of Uncertain Significance.

This study involves interpretation of variants in research participants for the purpose of population health screening. Participant phenotype was not available at the time of variant classification. Additional details can be found in publication PMID: 35346344, PMCID: PMC8962531

NM_174936.4(PCSK9):c.1109G>A (p.Gly370Asp)

Gene: PCSK9 (proprotein convertase subtilisin/kexin type 9; plus strand). Cytogenetic location: 1p32.3.
Variant type: single nucleotide variant.
Coding change: c.1109G>A on transcript NM_174936.4 (MANE Select); coding-DNA position 1109, G replaced by A.
Protein change: p.Gly370Asp; replaces glycine 370 with aspartic acid.
Molecular consequence: missense variant. On other transcripts: non-coding transcript variant (8).
Genome position (GRCh38, 1-based): chr1:55,057,443, G>A. VCF-style: chr1-55057443-G-A. GRCh37 (hg19) VCF-style: chr1-55523116-G-A.
Other names: c.1232G>A, p.Gly411Asp (NM_001407240.1); c.1109G>A, p.Gly370Asp (NM_001407241.1, NM_001407244.1, NM_001407247.1); c.1112G>A, p.Gly371Asp (NM_001407242.1); c.1052G>A, p.Gly351Asp (NM_001407243.1); c.917G>A, p.Gly306Asp (NM_001407245.1); c.734G>A, p.Gly245Asp (NM_001407246.1); short protein forms G245D, G306D, G351D, G370D, G371D, G411D.
Identifiers: ClinVar variation 3387443 (VCV003387443.2).